The following is an entry in ClinVar:

NM_005097.4(LGI1):c.1517C>A (p.Ala506Glu)

Gene: LGI1 (leucine rich glioma inactivated 1; plus strand). Cytogenetic location: 10q23.33.
Variant type: single nucleotide variant.
Coding change: c.1517C>A on transcript NM_005097.4 (MANE Select); coding-DNA position 1517, C replaced by A.
Protein change: p.Ala506Glu; replaces alanine 506 with glutamic acid.
Molecular consequence: missense variant. On other transcripts: non-coding transcript variant (1), intron variant (1).
Genome position (GRCh38, 1-based): chr10:93,797,646, C>A. VCF-style: chr10-93797646-C-A. GRCh37 (hg19) VCF-style: chr10-95557403-C-A.
Other names: c.1373C>A, p.Ala458Glu (NM_001308276.2); c.839-103C>A (NM_001308275.2); short protein forms A458E, A506E.
Identifiers: ClinVar variation 1441501 (VCV001441501.6), dbSNP rs1458989376, ClinGen allele CA377629899.

ClinVar aggregate classification (germline): Uncertain significance (1 of 4 stars; one submission).

Conditions:
Autosomal dominant epilepsy with auditory features. Identifiers: Orphanet 101046, MedGen C1838062, MONDO:0010898.

Allele frequency attached by ClinVar (database versions not stated): gnomAD exomes below 0.00001.

Submission:

Labcorp Genetics (formerly Invitae), Labcorp
Classification: Uncertain significance for Autosomal dominant epilepsy with auditory features. Last evaluated: 2023-03-09. Review status: criteria provided, single submitter. Criteria: Invitae Variant Classification Sherloc (09022015). Collection method: clinical testing. Allele origin: germline.
Comment: This sequence change replaces alanine, which is neutral and non-polar, with glutamic acid, which is acidic and polar, at codon 506 of the LGI1 protein (p.Ala506Glu). This variant is present in population databases (no rsID available, gnomAD 0.003%). This missense change has been observed in individual(s) with clinical features of LGI1-related conditions (Invitae). ClinVar contains an entry for this variant (Variation ID: 1441501). Advanced modeling of protein sequence and biophysical properties (such as structural, functional, and spatial information, amino acid conservation, physicochemical variation, residue mobility, and thermodynamic stability) performed at Invitae indicates that this missense variant is not expected to disrupt LGI1 protein function. In summary, the available evidence is currently insufficient to determine the role of this variant in disease. Therefore, it has been classified as a Variant of Uncertain Significance.